The following is an entry in ClinVar:

ClinVar aggregate classification (germline): Uncertain significance (1 of 4 stars; one submission).

Conditions:
RYR1-related disorder. Also called: RYR1-related condition; RYR1-related disorders. Identifiers: MedGen CN239331.

Submission:

Labcorp Genetics (formerly Invitae), Labcorp
Classification: Uncertain significance for RYR1-related disorder. Last evaluated: 2025-03-10. Review status: criteria provided, single submitter. Criteria: Invitae Variant Classification Sherloc (09022015). Collection method: clinical testing. Allele origin: germline.
Comment: This sequence change replaces alanine, which is neutral and non-polar, with proline, which is neutral and non-polar, at codon 4846 of the RYR1 protein (p.Ala4846Pro). This variant is not present in population databases (gnomAD no frequency). This variant has not been reported in the literature in individuals affected with RYR1-related conditions. ClinVar contains an entry for this variant (Variation ID: 1008044). Invitae Evidence Modeling of protein sequence and biophysical properties (such as structural, functional, and spatial information, amino acid conservation, physicochemical variation, residue mobility, and thermodynamic stability) has been performed for this missense variant. However, the output from this modeling did not meet the statistical confidence thresholds required to predict the impact of this variant on RYR1 protein function. This variant disrupts the p.Ala4846 amino acid residue in RYR1. Other variant(s) that disrupt this residue have been determined to be pathogenic (PMID: 17226826, 24950660, 30611313; internal data). This suggests that this residue is clinically significant, and that variants that disrupt this residue are likely to be disease-causing. In summary, the available evidence is currently insufficient to determine the role of this variant in disease. Therefore, it has been classified as a Variant of Uncertain Significance.

Literature cited by the submitters: PubMed 17226826; PubMed 24950660; PubMed 30611313.

NM_000540.3(RYR1):c.14536G>C (p.Ala4846Pro)

Gene: RYR1 (ryanodine receptor 1; plus strand). Cytogenetic location: 19q13.2.
Variant type: single nucleotide variant.
Coding change: c.14536G>C on transcript NM_000540.3 (MANE Select); coding-DNA position 14536, G replaced by C.
Protein change: p.Ala4846Pro; replaces alanine 4846 with proline.
Molecular consequence: missense variant.
Genome position (GRCh38, 1-based): chr19:38,580,394, G>C. VCF-style: chr19-38580394-G-C. GRCh37 (hg19) VCF-style: chr19-39071034-G-C.
Other names: c.14521G>C, p.Ala4841Pro (NM_001042723.2); short protein forms A4841P, A4846P.
Identifiers: ClinVar variation 1008044 (VCV001008044.8), dbSNP rs1974146322, ClinGen allele CA405687629.